The following is an entry in ClinVar:

NM_001008537.3(NEXMIF):c.326T>C (p.Leu109Pro)

Gene: NEXMIF (neurite extension and migration factor; minus strand). Cytogenetic location: Xq13.3.
Variant type: single nucleotide variant.
Coding change: c.326T>C on transcript NM_001008537.3 (MANE Select); coding-DNA position 326, T replaced by C.
Protein change: p.Leu109Pro; replaces leucine 109 with proline.
Molecular consequence: missense variant.
Genome position (GRCh38, 1-based): chrX:74,744,231, A>G on the plus strand (T>C on the coding strand, the complement: NEXMIF is on the minus strand). VCF-style: chrX-74744231-A-G. GRCh37 (hg19) VCF-style: chrX-73964066-A-G.
Other names: short protein forms L109P.
Identifiers: ClinVar variation 3367752 (VCV003367752.1).

ClinVar aggregate classification (germline): Uncertain significance (1 of 4 stars; one submission).

Submission:

GeneDx
Classification: Uncertain significance. Last evaluated: 2024-01-09. Review status: criteria provided, single submitter. Criteria: GeneDx Variant Classification Process June 2021. Collection method: clinical testing. Allele origin: germline. Affected: yes.
Comment: Not observed at significant frequency in large population cohorts (gnomAD); In silico analysis supports that this missense variant does not alter protein structure/function; Has not been previously published as pathogenic or benign to our knowledge